The following is an entry in ClinVar:

ClinVar aggregate classification (germline): Pathogenic. Review status: criteria provided, multiple submitters, no conflicts (2 of 4 stars). 9 submissions from 9 submitters: Pathogenic (7). 2 of the submissions do not count toward it. Last evaluated 2025-11-24.

Conditions:
TK2-related disorder. Also called: TK2-related condition.
Progressive external ophthalmoplegia with mitochondrial DNA deletions, autosomal recessive 3 (PEOB3). Also called: PROGRESSIVE EXTERNAL OPHTHALMOPLEGIA, AUTOSOMAL RECESSIVE 3. Identifiers: Orphanet 254886, MedGen C4310734, MONDO:0014898, OMIM 617069.
Mitochondrial DNA depletion syndrome. Also called: mitochondrial DNA depletion. Identifiers: Orphanet 35698, MedGen C0342782, MONDO:0018158.
Mitochondrial disease. Also called: Mitochondrial disorders; Mitochondrial disorder. Identifiers: Orphanet 68380, MedGen C0751651, MeSH D028361, MONDO:0044970.
Mitochondrial DNA depletion syndrome, myopathic form (MTDPS2). Also called: MITOCHONDRIAL DNA DEPLETION MYOPATHY, TK2-RELATED; TK2-Related Mitochondrial DNA Maintenance Defect, Myopathic Form; MITOCHONDRIAL DNA DEPLETION SYNDROME 2 (MYOPATHIC TYPE). Identifiers: Orphanet 254875, MedGen C3149750, MONDO:0012301, OMIM 609560.

Allele frequency attached by ClinVar (database versions not stated): TOPMed 0.00006.
gnomAD v4.1: 126 of 1,613,922 alleles (0.0078%); highest among the groups gnomAD compares: African/African-American, 0.008%; no homozygotes.

Submissions (9):

Genomenon, Inc
Classification: Pathogenic for Mitochondrial disease. Last evaluated: 2025-11-24. Review status: criteria provided, single submitter. Criteria: Genomenon Sequence Variant Interpretation Standards - Updated. Collection method: curation. Allele origin: germline. Affected: yes.
Comment: TK2 p.Arg183Trp (c.547C>T) is a missense variant that changes the amino acid at residue 183 from Arginine to Tryptophan. It is also described as R225W in the literature. This variant has been observed in multiple probands affected with mitochondrial disease in both the homozygous and compound heterozygous state, with a pathogenic or likely pathogenic variant confirmed in trans in several of these probands (33013660, 18819985, 15907288, 23932787, 21937588, 40089535). TK2 Arg183Trp was found to segregate with disease in affected families (15907288, 21937588, 40089535). Experimental studies have shown that this variant results in a significant reduction of catalytic activity compared to the wild type (21937588). This variant is not present at a significant frequency in gnomAD, and in silico models agree that this variant is possibly or probably damaging. In conclusion, we classify TK2 p.Arg183Trp (c.547C>T) as a pathogenic variant.

Labcorp Genetics (formerly Invitae), Labcorp
Classification: Pathogenic. Last evaluated: 2024-12-24. Review status: criteria provided, single submitter. Criteria: Invitae Variant Classification Sherloc (09022015). Collection method: clinical testing. Allele origin: germline.
Comment: This sequence change replaces arginine, which is basic and polar, with tryptophan, which is neutral and slightly polar, at codon 183 of the TK2 protein (p.Arg183Trp). This variant is present in population databases (rs137886900, gnomAD 0.08%). This missense change has been observed in individuals with mitochondrial DNA depletion syndrome (PMID: 15907288, 18819985, 29602790). It has also been observed to segregate with disease in related individuals. This variant is also known as c.673C>T, p.R225W. ClinVar contains an entry for this variant (Variation ID: 38992). Invitae Evidence Modeling of protein sequence and biophysical properties (such as structural, functional, and spatial information, amino acid conservation, physicochemical variation, residue mobility, and thermodynamic stability) indicates that this missense variant is expected to disrupt TK2 protein function with a positive predictive value of 95%. Experimental studies have shown that this missense change affects TK2 function (PMID: 21937588). Algorithms developed to predict the effect of sequence changes on RNA splicing suggest that this variant may disrupt the consensus splice site. This variant disrupts the p.Arg183 amino acid residue in TK2. Other variant(s) that disrupt this residue have been observed in individuals with TK2-related conditions (PMID: 12655576, 12682338, 19265691), which suggests that this may be a clinically significant amino acid residue. For these reasons, this variant has been classified as Pathogenic.

Genomic Medicine Center of Excellence, King Faisal Specialist Hospital and Research Centre
Classification: Pathogenic for Mitochondrial DNA depletion syndrome, myopathic form. Last evaluated: 2024-04-04. Review status: criteria provided, single submitter. Criteria: ACMG Guidelines, 2015. Collection method: clinical testing. Allele origin: germline.

Blueprint Genetics
Classification: Pathogenic for TK2-related disorders. Last evaluated: 2024-03-20. Review status: criteria provided, single submitter. Criteria: ACMG Guidelines, 2015. Collection method: clinical testing. Allele origin: germline. Affected: yes. Observed: 5 variant alleles.

Women's Health and Genetics/Laboratory Corporation of America, LabCorp
Classification: Pathogenic for Mitochondrial DNA depletion syndrome. Last evaluated: 2023-04-13. Review status: criteria provided, single submitter. Criteria: LabCorp Variant Classification Summary - May 2015. Collection method: clinical testing. Allele origin: germline.
Comment: Variant summary: TK2 c.547C>T (p.Arg183Trp) results in a non-conservative amino acid change located in the Deoxynucleoside kinase domain of the encoded protein sequence. Five of five in-silico tools predict a damaging effect of the variant on protein function. The variant allele was found at a frequency of 0.00011 in 251488 control chromosomes. This frequency is not significantly higher than estimated for a pathogenic variant in TK2 causing Mitochondrial DNA Depletion Syndrome - TK2 Related (0.00011 vs 0.0011), allowing no conclusion about variant significance. c.547C>T has been reported in the literature in individuals affected with Mitochondrial DNA Depletion Syndrome - TK2 Related. These data indicate that the variant may be associated with disease. At least one publication reports experimental evidence evaluating an impact on protein function. The most pronounced variant effect results in <10% of normal activity. Three clinical diagnostic laboratories have submitted clinical-significance assessments for this variant to ClinVar after 2014 without evidence for independent evaluation. All laboratories classified the variant as pathogenic. Based on the evidence outlined above, the variant was classified as pathogenic.

Revvity Omics, Revvity
Classification: Pathogenic. Last evaluated: 2022-01-29. Review status: criteria provided, single submitter. Criteria: ACMG Guidelines, 2015. Collection method: clinical testing. Allele origin: germline.

Baylor Genetics
Classification: Pathogenic for Mitochondrial DNA depletion syndrome, myopathic form. Last evaluated: 2017-09-01. Review status: criteria provided, single submitter. Criteria: ACMG Guidelines, 2015. Collection method: clinical testing. Allele origin: germline. Inheritance: Autosomal recessive inheritance. Affected: yes.
Comment: Heterozygotes are expected to be asymptomatic carriers.

OMIM
Classification: Pathogenic for PROGRESSIVE EXTERNAL OPHTHALMOPLEGIA WITH MITOCHONDRIAL DNA DELETIONS, AUTOSOMAL RECESSIVE 3 (1 family). Last evaluated: 2012-01-01. Review status: no assertion criteria provided. Collection method: literature only. Allele origin: germline. Not counted in ClinVar's aggregate classification.

GeneReviews
No classification provided. Condition: Mitochondrial DNA depletion syndrome, myopathic form. Review status: no classification provided. Collection method: literature only. Allele origin: germline. Not counted in ClinVar's aggregate classification.

Literature cited by the submitters: PubMed 33013660 (cited by Genomenon, Inc); PubMed 18819985 (cited by Genomenon, Inc and Labcorp Genetics (formerly Invitae), Labcorp); PubMed 15907288 (cited by 3 submitters); PubMed 23932787 (cited by Genomenon, Inc); PubMed 21937588 (cited by 5 submitters); PubMed 40089535 (cited by Genomenon, Inc); PubMed 29602790 (cited by Labcorp Genetics (formerly Invitae), Labcorp); PubMed 12655576 (cited by Labcorp Genetics (formerly Invitae), Labcorp); PubMed 12682338 (cited by Labcorp Genetics (formerly Invitae), Labcorp); PubMed 19265691 (cited by Labcorp Genetics (formerly Invitae), Labcorp); PubMed 25326635 (cited by Baylor Genetics).

NM_004614.5(TK2):c.547C>T (p.Arg183Trp)

Gene: TK2 (thymidine kinase 2; minus strand). Cytogenetic location: 16q21.
Variant type: single nucleotide variant.
Coding change: c.547C>T on transcript NM_004614.5 (MANE Select); coding-DNA position 547, C replaced by T.
Protein change: p.Arg183Trp; replaces arginine 183 with tryptophan.
Molecular consequence: missense variant. On other transcripts: non-coding transcript variant (1), intron variant (1).
Genome position (GRCh38, 1-based): chr16:66,517,207, G>A on the plus strand (C>T on the coding strand, the complement: TK2 is on the minus strand). VCF-style: chr16-66517207-G-A. GRCh37 (hg19) VCF-style: chr16-66551110-G-A.
Other names: R225W; c.454C>T, p.Arg152Trp (NM_001172643.1); c.472C>T, p.Arg158Trp (NM_001172644.2); c.493C>T, p.Arg165Trp (NM_001172645.2); c.400C>T, p.Arg134Trp (NM_001271934.2); c.256C>T, p.Arg86Trp (NM_001272050.2); c.357-3396C>T (NM_001271935.1); short protein forms R183W, R86W, R134W, R158W, R165W, R152W.
Identifiers: ClinVar variation 38992 (VCV000038992.22), dbSNP rs137886900, ClinGen allele CA320800.